The following is an entry in ClinVar:

NM_004260.4(RECQL4):c.1911C>T (p.Phe637=)

Gene: RECQL4 (RecQ like helicase 4; minus strand). Cytogenetic location: 8q24.3.
Variant type: single nucleotide variant.
Coding change: c.1911C>T on transcript NM_004260.4 (MANE Select); coding-DNA position 1911, C replaced by T.
Protein change: p.Phe637=; no amino-acid change (phenylalanine 637 retained).
Molecular consequence: synonymous variant.
Genome position (GRCh38, 1-based): chr8:144,514,075, G>A on the plus strand (C>T on the coding strand, the complement: RECQL4 is on the minus strand). VCF-style: chr8-144514075-G-A. GRCh37 (hg19) VCF-style: chr8-145739459-G-A.
Identifiers: ClinVar variation 414182 (VCV000414182.12), dbSNP rs765491293, ClinGen allele CA4948577.

ClinVar aggregate classification (germline): Conflicting classifications of pathogenicity. Review status: criteria provided, conflicting classifications (1 of 4 stars). 3 submissions from 3 submitters: Uncertain significance (1); Likely benign (2). Last evaluated 2026-08-06.

Conditions:
Baller-Gerold syndrome (BGS). Also called: CRANIOSYNOSTOSIS WITH RADIAL DEFECTS. Identifiers: Orphanet 1225, MedGen C0265308, MONDO:0009039, OMIM 218600.
Rothmund-Thomson syndrome type 2 (RTS2). Identifiers: Orphanet 221016, MedGen C5203410, MONDO:0016369, OMIM 268400.

Allele frequency attached by ClinVar (database versions not stated): gnomAD 0.00003 and 0.00004; gnomAD exomes 0.00001 and 0.00003; TOPMed 0.00008; ExAC 0.00005.
gnomAD v4.1: 20 of 1,594,080 alleles (0.0013%); highest among the groups gnomAD compares: Middle Eastern, 0.033%; no homozygotes.

Submissions (3):

OLLIN Analises Genomicas, OLLIN
Classification: Uncertain significance for Rothmund-Thomson syndrome type 2. Last evaluated: 2026-08-06. Review status: criteria provided, single submitter. Criteria: ACMG Guidelines 2015 PMID 25741868. Collection method: clinical testing. Allele origin: germline. Inheritance: Autosomal recessive inheritance.
Comment: This synonymous variant, located in exon 12 (of 21), has been reported in ClinVar (accession VCV000414182.10) and in gnomAD with an allele frequency of 0.0013%. However, to our knowledge, it has not been reported in the scientific literature. According to the currently available evidence, this variant has been classified as uncertain significance (PM2_P).

Labcorp Genetics (formerly Invitae), Labcorp
Classification: Likely benign for Baller-Gerold syndrome. Last evaluated: 2024-08-06. Review status: criteria provided, single submitter. Criteria: Invitae Variant Classification Sherloc (09022015). Collection method: clinical testing. Allele origin: germline.

Blueprint Genetics
Classification: Likely benign. Last evaluated: 2024-03-01. Review status: criteria provided, single submitter. Criteria: ACMG Guidelines, 2015. Collection method: clinical testing. Allele origin: germline.